The following is an entry in ClinVar:

NM_017671.5(FERMT1):c.657C>T (p.Leu219=)

Gene: FERMT1 (FERM domain containing kindlin 1; minus strand). Cytogenetic location: 20p12.3.
Variant type: single nucleotide variant.
Coding change: c.657C>T on transcript NM_017671.5 (MANE Select); coding-DNA position 657, C replaced by T.
Protein change: p.Leu219=; no amino-acid change (leucine 219 retained).
Molecular consequence: synonymous variant.
Genome position (GRCh38, 1-based): chr20:6,110,387, G>A on the plus strand (C>T on the coding strand, the complement: FERMT1 is on the minus strand). VCF-style: chr20-6110387-G-A. GRCh37 (hg19) VCF-style: chr20-6091034-G-A.
Identifiers: ClinVar variation 1605480 (VCV001605480.32), dbSNP rs150419419, ClinGen allele CA9758408.

ClinVar aggregate classification (germline): Likely benign. Review status: criteria provided, multiple submitters, no conflicts (2 of 4 stars). 2 submissions from 2 submitters: Likely benign (2). Last evaluated 2025-12-19.

Allele frequency attached by ClinVar (database versions not stated): ExAC 0.00002; gnomAD exomes 0.00004 and 0.00005; gnomAD 0.00006; TOPMed 0.00008; ESP Exome Variant Server 0.00015.
gnomAD v4.1: 63 of 1,613,886 alleles (0.0039%); highest among the groups gnomAD compares: Middle Eastern, 0.21%; no homozygotes.

Submissions (2):

Labcorp Genetics (formerly Invitae), Labcorp
Classification: Likely benign. Last evaluated: 2025-12-19. Review status: criteria provided, single submitter. Criteria: Invitae Variant Classification Sherloc (09022015). Collection method: clinical testing. Allele origin: germline.

CeGaT Center for Human Genetics Tuebingen
Classification: Likely benign. Last evaluated: 2022-09-01. Review status: criteria provided, single submitter. Criteria: CeGaT Center For Human Genetics Tuebingen Variant Classification Criteria Version 2. Collection method: clinical testing. Allele origin: germline. Affected: yes. Observed: 1 variant allele.
Comment: FERMT1: BP4, BP7